The following is an entry in ClinVar:

ClinVar aggregate classification (germline): Uncertain significance (1 of 4 stars; one submission).

Submission:

Labcorp Genetics (formerly Invitae), Labcorp
Classification: Uncertain significance. Last evaluated: 2025-12-01. Review status: criteria provided, single submitter. Criteria: Invitae Variant Classification Sherloc (09022015). Collection method: clinical testing. Allele origin: germline.
Comment: This sequence change replaces glutamic acid, which is acidic and polar, with glycine, which is neutral and non-polar, at codon 655 of the CSF2RB protein (p.Glu655Gly). This variant is not present in population databases (gnomAD no frequency). This variant has not been reported in the literature in individuals affected with CSF2RB-related conditions. ClinVar contains an entry for this variant (Variation ID: 1933836). Invitae Evidence Modeling of protein sequence and biophysical properties (such as structural, functional, and spatial information, amino acid conservation, physicochemical variation, residue mobility, and thermodynamic stability) indicates that this missense variant is expected to disrupt CSF2RB protein function with a positive predictive value of 80%. In summary, the available evidence is currently insufficient to determine the role of this variant in disease. Therefore, it has been classified as a Variant of Uncertain Significance.

NM_000395.3(CSF2RB):c.1964A>G (p.Glu655Gly)

Gene: CSF2RB (colony stimulating factor 2 receptor subunit beta; plus strand). Cytogenetic location: 22q12.3.
Variant type: single nucleotide variant.
Coding change: c.1964A>G on transcript NM_000395.3 (MANE Select); coding-DNA position 1964, A replaced by G.
Protein change: p.Glu655Gly; replaces glutamic acid 655 with glycine.
Molecular consequence: missense variant.
Genome position (GRCh38, 1-based): chr22:36,937,772, A>G. VCF-style: chr22-36937772-A-G. GRCh37 (hg19) VCF-style: chr22-37333814-A-G.
Other names: c.1982A>G, p.Glu661Gly (NM_001410827.1); short protein forms E655G, E661G.
Identifiers: ClinVar variation 1933836 (VCV001933836.5), dbSNP rs1270782495, ClinGen allele CA411410550.